The following is an entry in ClinVar:

ClinVar aggregate classification (germline): Uncertain significance (1 of 4 stars; one submission).

Allele frequency attached by ClinVar (database versions not stated): TOPMed below 0.00001; ExAC 0.00001; gnomAD 0.00001.
gnomAD v4.1: 42 of 1,612,746 alleles (0.0026%); highest among the groups gnomAD compares: Middle Eastern, 0.016%; no homozygotes.

Submissions (2):

Labcorp Genetics (formerly Invitae), Labcorp
Classification: Uncertain significance. Last evaluated: 2022-06-22. Review status: criteria provided, single submitter. Criteria: Invitae Variant Classification Sherloc (09022015). Collection method: clinical testing. Allele origin: germline.
Comment: This sequence change replaces leucine, which is neutral and non-polar, with valine, which is neutral and non-polar, at codon 2341 of the FREM2 protein (p.Leu2341Val). This variant is present in population databases (rs766104696, gnomAD 0.002%). This variant has not been reported in the literature in individuals affected with FREM2-related conditions. Algorithms developed to predict the effect of missense changes on protein structure and function are either unavailable or do not agree on the potential impact of this missense change (SIFT: "Deleterious"; PolyPhen-2: "Possibly Damaging"; Align-GVGD: "Class C0"). In summary, the available evidence is currently insufficient to determine the role of this variant in disease. Therefore, it has been classified as a Variant of Uncertain Significance.

Dr. Peter K. Rogan Lab, Western University
No classification provided (evidence only). Condition: Cervical cancer. Review status: no classification provided. Collection method: in vitro. Allele origin: not applicable. Functional consequence: retained intron. Not counted in ClinVar's aggregate classification.

NM_207361.6(FREM2):c.7021C>G (p.Leu2341Val)

Gene: FREM2 (FRAS1 related extracellular matrix 2; plus strand). Cytogenetic location: 13q13.3.
Variant type: single nucleotide variant.
Coding change: c.7021C>G on transcript NM_207361.6 (MANE Select); coding-DNA position 7021, C replaced by G.
Protein change: p.Leu2341Val; replaces leucine 2341 with valine.
Molecular consequence: missense variant.
Genome position (GRCh38, 1-based): chr13:38,856,221, C>G. VCF-style: chr13-38856221-C-G. GRCh37 (hg19) VCF-style: chr13-39430358-C-G.
Other names: short protein forms L2341V.
Identifiers: ClinVar variation 1914887 (VCV001914887.3), dbSNP rs766104696, ClinGen allele CA6955743.